The following is an entry in ClinVar:

ClinVar aggregate classification (germline): Benign/Likely benign. Review status: criteria provided, multiple submitters, no conflicts (2 of 4 stars). 14 submissions from 14 submitters: Benign (11); Likely benign (3). Last evaluated 2026-02-01.

Conditions:
Ehlers-Danlos syndrome, classic type, 1 (EDSCL1). Also called: Ehlers-Danlos syndrome, type 1; Ehlers-Danlos Syndrome, Classic Type, COL5A1-Related; EDS I; EHLERS-DANLOS SYNDROME, GRAVIS TYPE; EHLERS-DANLOS SYNDROME, SEVERE CLASSIC TYPE. Identifiers: MedGen C0268335, MONDO:0019567, OMIM 130000.
Ehlers-Danlos syndrome, classic type, 2 (EDSCL2). Also called: Ehlers-Danlos syndrome, type 2; Ehlers-Danlos Syndrome, Classic Type, COL5A2-Related; Ehlers-Danlos syndrome type 2 (formerly). Identifiers: Orphanet 287, Orphanet 90318, MedGen C0268336, MONDO:0019568, OMIM 130010.
Connective tissue disorder. Also called: Connective tissue disease. Identifiers: MedGen C0009782, MONDO:0003900.
Ehlers-Danlos syndrome (EDS). Identifiers: Orphanet 98249, MedGen C0013720, MONDO:0020066.
Familial thoracic aortic aneurysm and aortic dissection (TAAD). Also called: Thoracic aortic aneurysms and dissections. Identifiers: Orphanet 91387, MedGen C4707243, MONDO:0019625.

Allele frequency attached by ClinVar (database versions not stated): 1000 Genomes Project 30x 0.00297; gnomAD 0.00306 and 0.00344; ESP Exome Variant Server 0.00308; 1000 Genomes Project 0.00319; TOPMed 0.00338; gnomAD exomes 0.00518 and 0.00531; ExAC 0.00549.
gnomAD v4.1: 8,116 of 1,614,164 alleles (0.5%); highest among the groups gnomAD compares: South Asian, 1.6%; 43 homozygotes.

Submissions (14):

Labcorp Genetics (formerly Invitae), Labcorp
Classification: Benign for Ehlers-Danlos syndrome, classic type, 1. Last evaluated: 2026-02-01. Review status: criteria provided, single submitter. Criteria: Invitae Variant Classification Sherloc (09022015). Collection method: clinical testing. Allele origin: germline.

ARUP Laboratories, Molecular Genetics and Genomics, ARUP Laboratories
Classification: Benign for Ehlers-Danlos syndrome, classic type, 2. Last evaluated: 2025-05-23. Review status: criteria provided, single submitter. Criteria: ARUP Molecular Germline Variant Investigation Process 2024. Collection method: clinical testing. Allele origin: germline.

Molecular Diagnostic Laboratory for Inherited Cardiovascular Disease, Montreal Heart Institute
Classification: Benign. Last evaluated: 2025-04-09. Review status: criteria provided, single submitter. Criteria: ACMG Guidelines, 2015. Collection method: clinical testing. Allele origin: germline. Affected: no.

Blueprint Genetics
Classification: Benign. Last evaluated: 2024-11-22. Review status: criteria provided, single submitter. Criteria: ACMG Guidelines, 2015. Collection method: clinical testing. Allele origin: germline.

Mayo Clinic Laboratories, Mayo Clinic
Classification: Benign. Last evaluated: 2024-08-13. Review status: criteria provided, single submitter. Criteria: ACMG Guidelines, 2015. Collection method: clinical testing. Allele origin: germline. Observed: 52 variant alleles.
Comment: BS1, BS2, BP4, BP7

Women's Health and Genetics/Laboratory Corporation of America, LabCorp
Classification: Benign. Last evaluated: 2023-07-21. Review status: criteria provided, single submitter. Criteria: LabCorp Variant Classification Summary - May 2015. Collection method: clinical testing. Allele origin: germline.

Genome Diagnostics Laboratory, The Hospital for Sick Children
Classification: Benign for Ehlers-Danlos syndrome. Last evaluated: 2022-01-14. Review status: criteria provided, single submitter. Criteria: ACMG Guidelines, 2015. Collection method: clinical testing. Allele origin: germline.

Illumina Laboratory Services, Illumina
Classification: Benign for Ehlers-Danlos syndrome, classic type, 2. Last evaluated: 2018-01-13. Review status: criteria provided, single submitter. Criteria: ICSL Variant Classification Criteria 13 December 2019. Collection method: clinical testing. Allele origin: germline.
Comment: This variant was observed in the ICSL laboratory as part of a predisposition screen in an ostensibly healthy population. It had not been previously curated by ICSL or reported in the Human Gene Mutation Database (HGMD: prior to June 1st, 2018), and was therefore a candidate for classification through an automated scoring system. Utilizing variant allele frequency, disease prevalence and penetrance estimates, and inheritance mode, an automated score was calculated to assess if this variant is too frequent to cause the disease. Based on the score and internal cut-off values, a variant classified as benign is not then subjected to further curation. The score for this variant resulted in a classification of benign for this disease.

Center for Human Genetics, Inc
Classification: Likely benign for Connective tissue disorder. Last evaluated: 2016-11-01. Review status: criteria provided, single submitter. Criteria: ACMG Guidelines, 2015. Collection method: clinical testing. Allele origin: germline. Affected: yes.

Ambry Genetics
Classification: Benign for Familial thoracic aortic aneurysm and aortic dissection. Last evaluated: 2015-08-18. Review status: criteria provided, single submitter. Criteria: Ambry Variant Classification Scheme 2023. Collection method: clinical testing. Allele origin: germline.

Eurofins Ntd Llc (ga)
Classification: Benign. Last evaluated: 2015-06-08. Review status: criteria provided, single submitter. Criteria: EGL Classification Definitions 2015. Collection method: clinical testing. Allele origin: germline. Observed: 1 variant allele, 1 heterozygote.

GeneDx
Classification: Benign. Last evaluated: 2013-02-28. Review status: criteria provided, single submitter. Criteria: GeneDx Variant Classification (06012015). Collection method: clinical testing. Allele origin: germline. Affected: yes.
Comment: This variant is considered likely benign or benign based on one or more of the following criteria: it is a conservative change, it occurs at a poorly conserved position in the protein, it is predicted to be benign by multiple in silico algorithms, and/or has population frequency not consistent with disease.

Breakthrough Genomics
Classification: Likely benign. Review status: criteria provided, single submitter. Criteria: ACMG Guidelines, 2015. Collection method: not provided. Allele origin: germline. Inheritance: Autosomal dominant inheritance. Affected: yes.

PreventionGenetics, part of Exact Sciences
Classification: Likely benign. Review status: criteria provided, single submitter. Criteria: ACMG Guidelines, 2015. Collection method: clinical testing. Allele origin: germline.

NM_000393.5(COL5A2):c.198T>C (p.Asn66=)

Gene: COL5A2 (collagen type V alpha 2 chain; minus strand). Cytogenetic location: 2q32.2.
Variant type: single nucleotide variant.
Coding change: c.198T>C on transcript NM_000393.5 (MANE Select); coding-DNA position 198, T replaced by C.
Protein change: p.Asn66=; no amino-acid change (asparagine 66 retained).
Molecular consequence: synonymous variant.
Genome position (GRCh38, 1-based): chr2:189,110,349, A>G on the plus strand (T>C on the coding strand, the complement: COL5A2 is on the minus strand). VCF-style: chr2-189110349-A-G. GRCh37 (hg19) VCF-style: chr2-189975075-A-G.
Other names: p.N66N:AAT>AAC; p.Asn66=; c.198T>C (NM_000393.4).
Identifiers: ClinVar variation 136961 (VCV000136961.74), dbSNP rs76511879, ClinGen allele CA302799.